The following is an entry in ClinVar:

ClinVar aggregate classification (germline): Uncertain significance (1 of 4 stars; one submission).

Conditions:
Werner syndrome (WRN). Identifiers: Orphanet 902, MedGen C0043119, MONDO:0010196, OMIM 277700.

Allele frequency attached by ClinVar (database versions not stated): TOPMed below 0.00001.
gnomAD v4.1: 1 of 1,613,102 alleles (0.000062%); no homozygotes.

Submission:

Labcorp Genetics (formerly Invitae), Labcorp
Classification: Uncertain significance for Werner syndrome. Last evaluated: 2022-02-24. Review status: criteria provided, single submitter. Criteria: Invitae Variant Classification Sherloc (09022015). Collection method: clinical testing. Allele origin: germline.
Comment: Algorithms developed to predict the effect of missense changes on protein structure and function are either unavailable or do not agree on the potential impact of this missense change (SIFT: "Not Available"; PolyPhen-2: "Benign"; Align-GVGD: "Not Available"). In summary, the available evidence is currently insufficient to determine the role of this variant in disease. Therefore, it has been classified as a Variant of Uncertain Significance. ClinVar contains an entry for this variant (Variation ID: 580370). This variant has not been reported in the literature in individuals affected with WRN-related conditions. This variant is not present in population databases (gnomAD no frequency). This sequence change replaces glycine, which is neutral and non-polar, with cysteine, which is neutral and slightly polar, at codon 1377 of the WRN protein (p.Gly1377Cys).

NM_000553.6(WRN):c.4129G>T (p.Gly1377Cys)

Gene: WRN (WRN RecQ like helicase; plus strand). Cytogenetic location: 8p12.
Variant type: single nucleotide variant.
Coding change: c.4129G>T on transcript NM_000553.6 (MANE Select); coding-DNA position 4129, G replaced by T.
Protein change: p.Gly1377Cys; replaces glycine 1377 with cysteine.
Molecular consequence: missense variant.
Genome position (GRCh38, 1-based): chr8:31,167,168, G>T. VCF-style: chr8-31167168-G-T. GRCh37 (hg19) VCF-style: chr8-31024684-G-T.
Other names: short protein forms G1377C.
Identifiers: ClinVar variation 580370 (VCV000580370.5), dbSNP rs760127655, ClinGen allele CA370909766.